The following is an entry in ClinVar:

NM_182914.3(SYNE2):c.15792+3A>G

Gene: SYNE2 (spectrin repeat containing nuclear envelope protein 2; plus strand). Cytogenetic location: 14q23.2.
Variant type: single nucleotide variant.
Coding change: c.15792+3A>G on transcript NM_182914.3 (MANE Select); 3 bases into the intron after coding-DNA position 15792, A replaced by G.
Molecular consequence: intron variant.
Genome position (GRCh38, 1-based): chr14:64,152,719, A>G. VCF-style: chr14-64152719-A-G. GRCh37 (hg19) VCF-style: chr14-64619437-A-G.
Other names: c.15792+3A>G (NM_015180.6).
Identifiers: ClinVar variation 2178454 (VCV002178454.4), dbSNP rs748617468, ClinGen allele CA7223184.

ClinVar aggregate classification (germline): Uncertain significance (1 of 4 stars; one submission).

Conditions:
Emery-Dreifuss muscular dystrophy 5, autosomal dominant (EDMD5). Also called: EMERY-DREIFUSS MUSCULAR DYSTROPHY 5. Identifiers: Orphanet 261, MedGen C2751805, MONDO:0013072, OMIM 612999.

Allele frequency attached by ClinVar (database versions not stated): gnomAD exomes below 0.00001; ExAC 0.00001; TOPMed 0.00004; gnomAD 0.00005.
gnomAD v4.1: 8 of 1,613,926 alleles (0.0005%); highest among the groups gnomAD compares: African/African-American, 0.0093%; no homozygotes.

Submission:

Labcorp Genetics (formerly Invitae), Labcorp
Classification: Uncertain significance for Emery-Dreifuss muscular dystrophy 5, autosomal dominant. Last evaluated: 2022-06-25. Review status: criteria provided, single submitter. Criteria: Invitae Variant Classification Sherloc (09022015). Collection method: clinical testing. Allele origin: germline.
Comment: This sequence change falls in intron 85 of the SYNE2 gene. It does not directly change the encoded amino acid sequence of the SYNE2 protein. It affects a nucleotide within the consensus splice site. This variant is present in population databases (rs748617468, gnomAD 0.008%). In summary, the available evidence is currently insufficient to determine the role of this variant in disease. Therefore, it has been classified as a Variant of Uncertain Significance. Variants that disrupt the consensus splice site are a relatively common cause of aberrant splicing (PMID: 17576681, 9536098). Algorithms developed to predict the effect of sequence changes on RNA splicing suggest that this variant may disrupt the consensus splice site. This variant has not been reported in the literature in individuals affected with SYNE2-related conditions.

Literature cited by the submitters: PubMed 17576681; PubMed 9536098.